The following is an entry in ClinVar:

NM_001024843.2(TNRC6B):c.-2C>G

Gene: TNRC6B (trinucleotide repeat containing adaptor 6B; plus strand). Cytogenetic location: 22q13.1.
Variant type: single nucleotide variant.
Coding change: c.-2C>G on transcript NM_001024843.2; 2 bases upstream of the start codon, C replaced by G.
Molecular consequence: 5 prime UTR variant.
Genome position (GRCh38, 1-based): chr22:40,125,816, C>G. VCF-style: chr22-40125816-C-G. GRCh37 (hg19) VCF-style: chr22-40521820-C-G.
Identifiers: ClinVar variation 3893505 (VCV003893505.1).

ClinVar aggregate classification (germline): Uncertain significance (1 of 4 stars; one submission).

Submission:

GeneDx
Classification: Uncertain significance. Last evaluated: 2024-10-23. Review status: criteria provided, single submitter. Criteria: GeneDx Variant Classification Process June 2021. Collection method: clinical testing. Allele origin: germline. Affected: yes.
Comment: Not observed at significant frequency in large population cohorts (gnomAD); Has not been previously published as pathogenic or benign to our knowledge; Reported using an alternate transcript of the gene; Alters the Kozak sequence, which plays a major role in the initiation of translation